The following is an entry in ClinVar:

NM_032444.4(SLX4):c.11G>A (p.Ser4Asn)

Gene: SLX4 (SLX4 structure-specific endonuclease subunit; minus strand). Cytogenetic location: 16p13.3.
Variant type: single nucleotide variant.
Coding change: c.11G>A on transcript NM_032444.4 (MANE Select); coding-DNA position 11, G replaced by A.
Protein change: p.Ser4Asn; replaces serine 4 with asparagine.
Molecular consequence: missense variant.
Genome position (GRCh38, 1-based): chr16:3,608,954, C>T on the plus strand (G>A on the coding strand, the complement: SLX4 is on the minus strand). VCF-style: chr16-3608954-C-T. GRCh37 (hg19) VCF-style: chr16-3658955-C-T.
Other names: short protein forms S4N.
Identifiers: ClinVar variation 3637120 (VCV003637120.2).

ClinVar aggregate classification (germline): Uncertain significance (1 of 4 stars; one submission).

Conditions:
Fanconi anemia (FA). Also called: Fanconi's anemia. Identifiers: Orphanet 84, MedGen C0015625, MeSH D005199, MONDO:0019391.

Submission:

Labcorp Genetics (formerly Invitae), Labcorp
Classification: Uncertain significance for Fanconi anemia. Last evaluated: 2024-12-05. Review status: criteria provided, single submitter. Criteria: Invitae Variant Classification Sherloc (09022015). Collection method: clinical testing. Allele origin: germline.
Comment: This sequence change replaces serine, which is neutral and polar, with asparagine, which is neutral and polar, at codon 4 of the SLX4 protein (p.Ser4Asn). This variant is not present in population databases (gnomAD no frequency). This variant has not been reported in the literature in individuals affected with SLX4-related conditions. An algorithm developed to predict the effect of missense changes on protein structure and function outputs the following: PolyPhen-2: "Benign". The asparagine amino acid residue is found in multiple mammalian species, which suggests that this missense change does not adversely affect protein function. In summary, the available evidence is currently insufficient to determine the role of this variant in disease. Therefore, it has been classified as a Variant of Uncertain Significance.